The following is an entry in ClinVar:

ClinVar aggregate classification (germline): Uncertain significance (1 of 4 stars; one submission).

Conditions:
Lymphatic malformation 6 (LMPHM6). Also called: GENERALIZED LYMPHATIC DYSPLASIA OF FOTIOU; Lymphedema, hereditary, III; PIEZO1-related generalized lymphatic dysplasia with non-immune hydrops fetalis. Identifiers: Orphanet 568062, MedGen C4225184, MONDO:0014797, OMIM 616843.

gnomAD v4.1: 6 of 1,535,310 alleles (0.00039%); highest among the groups gnomAD compares: Non-Finnish European, 0.00052%; no homozygotes.

Submission:

Clinical Genomics Laboratory, Washington University in St. Louis
Classification: Uncertain significance for Lymphatic malformation 6. Last evaluated: 2025-01-21. Review status: criteria provided, single submitter. Criteria: ACMG Guidelines, 2015. Collection method: clinical testing. Allele origin: germline.
Comment: A PIEZO1 c.448C>G (p.Pro150Ala) variant was identified at a near heterozygous allelic fraction of 49.4%, a frequency which may be consistent with it being of germline origin. This variant, to our knowledge, has not been reported in the medical literature or in the ClinVar database. This variant is only observed on 6/1,535,310 alleles in the general population (gnomAD v4.1.0), indicating it is not a common variant. Computational predictors suggest that the variant does not impact PIEZO1 function. Due to limited information, and based on ACMG/AMP guidelines for variant interpretation (Richards S et al., PMID: 25741868), the clinical significance of the PIEZO1 c.448C>G (p.Pro150Ala) variant is uncertain at this time.

NM_001142864.4(PIEZO1):c.448C>G (p.Pro150Ala)

Gene: PIEZO1 (piezo type mechanosensitive ion channel component 1 (Er blood group); minus strand). Cytogenetic location: 16q24.3.
Variant type: single nucleotide variant.
Coding change: c.448C>G on transcript NM_001142864.4 (MANE Select); coding-DNA position 448, C replaced by G.
Protein change: p.Pro150Ala; replaces proline 150 with alanine.
Molecular consequence: missense variant.
Genome position (GRCh38, 1-based): chr16:88,741,495, G>C on the plus strand (C>G on the coding strand, the complement: PIEZO1 is on the minus strand). VCF-style: chr16-88741495-G-C. GRCh37 (hg19) VCF-style: chr16-88807903-G-C.
Other names: short protein forms P150A.
Identifiers: ClinVar variation 4279747 (VCV004279747.1).